The following is an entry in ClinVar:

ClinVar aggregate classification (germline): Uncertain significance (1 of 4 stars; one submission).

Conditions:
Hereditary cancer-predisposing syndrome. Also called: Hereditary neoplastic syndrome; Neoplastic Syndromes, Hereditary; Tumor predisposition; Hereditary Cancer Syndrome. Identifiers: Orphanet 140162, MedGen C0027672, MeSH D009386, MONDO:0015356.

Submission:

Ambry Genetics
Classification: Uncertain significance for Hereditary cancer-predisposing syndrome. Last evaluated: 2025-09-04. Review status: criteria provided, single submitter. Criteria: Ambry Variant Classification Scheme 2023. Collection method: clinical testing. Allele origin: germline.
Comment: The p.I984T variant (also known as c.2951T>C), located in coding exon 25 of the POLE gene, results from a T to C substitution at nucleotide position 2951. The isoleucine at codon 984 is replaced by threonine, an amino acid with similar properties. This amino acid position is conserved. In addition, the in silico prediction for this alteration is inconclusive. Based on the available evidence, the clinical significance of this variant remains unclear.

NM_006231.4(POLE):c.2951T>C (p.Ile984Thr)

Gene: POLE (DNA polymerase epsilon, catalytic subunit; minus strand). Cytogenetic location: 12q24.33.
Variant type: single nucleotide variant.
Coding change: c.2951T>C on transcript NM_006231.4 (MANE Select); coding-DNA position 2951, T replaced by C.
Protein change: p.Ile984Thr; replaces isoleucine 984 with threonine.
Molecular consequence: missense variant.
Genome position (GRCh38, 1-based): chr12:132,661,078, A>G on the plus strand (T>C on the coding strand, the complement: POLE is on the minus strand). VCF-style: chr12-132661078-A-G. GRCh37 (hg19) VCF-style: chr12-133237664-A-G.
Other names: short protein forms I984T.
Identifiers: ClinVar variation 4141240 (VCV004141240.1).
Genomic context (GRCh38, chr12:132,661,078, plus strand): 5'-CCATACACCTCTTCCAGCGTGCTGCCCTTGAGGAAGGCCTCAAACACCGAGGATTGGAAG[A>G]TCTTAATCAGCTGCAGTTCCCCGCGGCGTTTGACCTCAAAGCCCTTGAGCTCAGCCAGAG-3'
Protein context (NP_006222.2, residues 974-994): KRRGELQLIK[Ile984Thr]FQSSVFEAFL